The following is an entry in ClinVar:

ClinVar aggregate classification (germline): Benign/Likely benign. Review status: criteria provided, multiple submitters, no conflicts (2 of 4 stars). 4 submissions from 4 submitters: Benign (1); Likely benign (2). 1 of the submissions does not count toward it. Last evaluated 2025-12-23.

Conditions:
CEP57-related disorder. Also called: CEP57-related condition.
Mosaic variegated aneuploidy syndrome 2 (MVA2). Identifiers: Orphanet 1052, MedGen C3279843, MONDO:0013582, OMIM 614114.

Allele frequency attached by ClinVar (database versions not stated): gnomAD 0.00029 and 0.00049; TOPMed 0.00042; gnomAD exomes 0.00058 and 0.00107; ExAC 0.00117; 1000 Genomes Project 30x 0.00234; 1000 Genomes Project 0.00280.
gnomAD v4.1: 898 of 1,595,888 alleles (0.056%); highest among the groups gnomAD compares: East Asian, 1.9%; 12 homozygotes.

Submissions (4):

Labcorp Genetics (formerly Invitae), Labcorp
Classification: Benign for Mosaic variegated aneuploidy syndrome 2. Last evaluated: 2025-12-23. Review status: criteria provided, single submitter. Criteria: Invitae Variant Classification Sherloc (09022015). Collection method: clinical testing. Allele origin: germline.

Blueprint Genetics
Classification: Likely benign. Last evaluated: 2024-10-30. Review status: criteria provided, single submitter. Criteria: ACMG Guidelines, 2015. Collection method: clinical testing. Allele origin: germline.

CeGaT Center for Human Genetics Tuebingen
Classification: Likely benign. Last evaluated: 2024-06-01. Review status: criteria provided, single submitter. Criteria: CeGaT Center For Human Genetics Tuebingen Variant Classification Criteria Version 2. Collection method: clinical testing. Allele origin: germline. Affected: yes. Observed: 1 variant allele.
Comment: CEP57: BP4, BS1

PreventionGenetics, part of Exact Sciences
Classification: Benign for CEP57-related condition. Last evaluated: 2019-12-16. Review status: no assertion criteria provided. Collection method: clinical testing. Allele origin: germline. Not counted in ClinVar's aggregate classification.
Comment: This variant is classified as benign based on ACMG/AMP sequence variant interpretation guidelines (Richards et al. 2015 PMID: 25741868, with internal and published modifications).

NM_014679.5(CEP57):c.807+8G>A

Gene: CEP57 (centrosomal protein 57; plus strand). Cytogenetic location: 11q21.
Variant type: single nucleotide variant.
Coding change: c.807+8G>A on transcript NM_014679.5 (MANE Select); 8 bases into the intron after coding-DNA position 807, G replaced by A.
Molecular consequence: intron variant.
Genome position (GRCh38, 1-based): chr11:95,821,986, G>A. VCF-style: chr11-95821986-G-A. GRCh37 (hg19) VCF-style: chr11-95555150-G-A.
Other names: c.726+8G>A (NM_001363604.2); c.780+8G>A (NM_001243776.2); c.807+8G>A (NM_001243777.2).
Identifiers: ClinVar variation 414979 (VCV000414979.32), dbSNP rs117602509, ClinGen allele CA6239598.